The following is an entry in ClinVar:

NM_152641.4(ARID2):c.5468_5477delinsTT (p.Gln1823fs)

Gene: ARID2 (AT-rich interaction domain 2; plus strand). Cytogenetic location: 12q12.
Variant type: Indel.
Coding change: c.5468_5477delinsTT on transcript NM_152641.4 (MANE Select); coding-DNA positions 5468 to 5477, AGAGTAAGGA replaced by TT.
Protein change: p.Gln1823fs; shifts the reading frame from glutamine 1823.
Molecular consequence: frameshift variant.
Genome position (GRCh38, 1-based): chr12:45,905,038-45,905,047, AGAGTAAGGA replaced by TT. VCF-style: chr12-45905038-AGAGTAAGGA-TT. GRCh37 (hg19) VCF-style: chr12-46298821-AGAGTAAGGA-TT.
Other names: short protein forms Q1823fs.
Identifiers: ClinVar variation 432770 (VCV000432770.2), dbSNP rs1555162230, ClinGen allele CA645372909.

ClinVar aggregate classification (germline): Likely pathogenic (1 of 4 stars; one submission).

Submission:

GeneDx
Classification: Likely pathogenic. Last evaluated: 2017-06-06. Review status: criteria provided, single submitter. Criteria: GeneDx Variant Classification (06012015). Collection method: clinical testing. Allele origin: germline. Affected: yes.
Comment: The c.5468_5477del10insTT variant in the ARID2 gene has not been reported previously as a pathogenic variant nor as a benign variant, to our knowledge. The c.5468_5477del10insTT variant causes a frameshift starting with codon Glutamine 1823, changes this amino acid to a Leucine residue, and creates a Stop codon at position 46 of the new reading frame, denoted p.Gln1823LeufsX46. This frameshift variant replaces the typical last 13 amino acid residues in the ARID2 protein with 45 different amino acid residues. This change is expected to alter the normal structure and function of the resultant protein. The c.5468_5477del10insTT variant is not observed in large population cohorts (Lek et al., 2016; 1000 Genomes Consortium et al., 2015; Exome Variant Server). We interpret c.5468_5477del10insTT as a likely pathogenic variant.